The following is an entry in ClinVar:

ClinVar aggregate classification (germline): Uncertain significance. Review status: criteria provided, multiple submitters, no conflicts (2 of 4 stars). 3 submissions from 3 submitters: Uncertain significance (3). Last evaluated 2025-07-19.

Conditions:
Hereditary cancer-predisposing syndrome. Also called: Neoplastic Syndromes, Hereditary; Tumor predisposition; Hereditary Cancer Syndrome; Hereditary neoplastic syndrome. Identifiers: Orphanet 140162, MedGen C0027672, MeSH D009386, MONDO:0015356.
Nijmegen breakage syndrome-like disorder (NBSLD). Also called: MICROCEPHALY AND SPONTANEOUS CHROMOSOME INSTABILITY WITHOUT IMMUNODEFICIENCY; NBS-LIKE DISORDER; RAD50 DEFICIENCY. Identifiers: Orphanet 240760, MedGen C2751318, MONDO:0013118, OMIM 613078.

Allele frequency attached by ClinVar (database versions not stated): gnomAD exomes 0.00001; ExAC 0.00002; TOPMed 0.00002; gnomAD 0.00003; ESP Exome Variant Server 0.00008.

Submissions (3):

Labcorp Genetics (formerly Invitae), Labcorp
Classification: Uncertain significance for Hereditary cancer-predisposing syndrome. Last evaluated: 2025-07-19. Review status: criteria provided, single submitter. Criteria: Invitae Variant Classification Sherloc (09022015). Collection method: clinical testing. Allele origin: germline.
Comment: This sequence change replaces glutamic acid, which is acidic and polar, with glutamine, which is neutral and polar, at codon 342 of the RAD50 protein (p.Glu342Gln). This variant is present in population databases (rs146059957, gnomAD 0.007%). This variant has not been reported in the literature in individuals affected with RAD50-related conditions. ClinVar contains an entry for this variant (Variation ID: 482158). Invitae Evidence Modeling of protein sequence and biophysical properties (such as structural, functional, and spatial information, amino acid conservation, physicochemical variation, residue mobility, and thermodynamic stability) indicates that this missense variant is not expected to disrupt RAD50 protein function with a negative predictive value of 80%. In summary, the available evidence is currently insufficient to determine the role of this variant in disease. Therefore, it has been classified as a Variant of Uncertain Significance.

Ambry Genetics
Classification: Uncertain significance for Hereditary cancer-predisposing syndrome. Last evaluated: 2025-03-04. Review status: criteria provided, single submitter. Criteria: Ambry Variant Classification Scheme 2023. Collection method: clinical testing. Allele origin: germline.
Comment: The p.E342Q variant (also known as c.1024G>C), located in coding exon 7 of the RAD50 gene, results from a G to C substitution at nucleotide position 1024. The glutamic acid at codon 342 is replaced by glutamine, an amino acid with highly similar properties. This amino acid position is not well conserved in available vertebrate species. In addition, this alteration is predicted to be tolerated by in silico analysis. Since supporting evidence is limited at this time, the clinical significance of this alteration remains unclear.

Baylor Genetics
Classification: Uncertain significance for Nijmegen breakage syndrome-like disorder. Last evaluated: 2024-03-08. Review status: criteria provided, single submitter. Criteria: ACMG Guidelines, 2015. Collection method: clinical testing. Allele origin: unknown.

NM_005732.4(RAD50):c.1024G>C (p.Glu342Gln)

Gene: RAD50 (RAD50 double strand break repair protein; plus strand). Cytogenetic location: 5q31.1.
Variant type: single nucleotide variant.
Coding change: c.1024G>C on transcript NM_005732.4 (MANE Select); coding-DNA position 1024, G replaced by C.
Protein change: p.Glu342Gln; replaces glutamic acid 342 with glutamine.
Molecular consequence: missense variant.
Genome position (GRCh38, 1-based): chr5:132,588,062, G>C. VCF-style: chr5-132588062-G-C. GRCh37 (hg19) VCF-style: chr5-131923754-G-C.
Other names: short protein forms E342Q.
Identifiers: ClinVar variation 482158 (VCV000482158.14), dbSNP rs146059957, ClinGen allele CA3405075.